The following is an entry in ClinVar:

ClinVar aggregate classification (germline): Pathogenic. Review status: criteria provided, multiple submitters, no conflicts (2 of 4 stars). 2 submissions from 2 submitters: Pathogenic (2). Last evaluated 2024-06-13.

Conditions:
Macular corneal dystrophy (MCD). Also called: Macular corneal dystrophy Type I; GROENOUW TYPE II CORNEAL DYSTROPHY. Identifiers: Orphanet 98969, MedGen C1636149, MONDO:0009020, OMIM 217800.

Submissions (2):

Women's Health and Genetics/Laboratory Corporation of America, LabCorp
Classification: Pathogenic for Macular corneal dystrophy. Last evaluated: 2024-06-13. Review status: criteria provided, single submitter. Criteria: LabCorp Variant Classification Summary - May 2015. Collection method: clinical testing. Allele origin: germline.
Comment: Variant summary: CHST6 c.632G>A (p.Arg211Gln) results in a conservative amino acid change located in the Sulfotransferase domain (IPR000863) of the encoded protein sequence. Four of five in-silico tools predict a damaging effect of the variant on protein function. The variant allele was found at a frequency of 4.2e-06 in 240952 control chromosomes. c.632G>A has been reported in the literature in multiple homozygous and heterozygous individuals affected with Macular Corneal Dystrophy (e.g. Ha_IOVS_2003). These data indicate that the variant is very likely to be associated with disease. A different variant affecting the same codon has been classified as pathogenic by our lab (c.631C>T, p.R211W), supporting the critical relevance of codon 211 to CHST6 protein function. To our knowledge, no experimental evidence demonstrating an impact on protein function has been reported. The following publication has been ascertained in the context of this evaluation (PMID: 12882775). ClinVar contains an entry for this variant (Variation ID: 2736373). Based on the evidence outlined above, the variant was classified as pathogenic.

Labcorp Genetics (formerly Invitae), Labcorp
Classification: Pathogenic for Macular corneal dystrophy. Last evaluated: 2023-06-23. Review status: criteria provided, single submitter. Criteria: Invitae Variant Classification Sherloc (09022015). Collection method: clinical testing. Allele origin: germline.
Comment: For these reasons, this variant has been classified as Pathogenic. Advanced modeling of protein sequence and biophysical properties (such as structural, functional, and spatial information, amino acid conservation, physicochemical variation, residue mobility, and thermodynamic stability) performed at Invitae indicates that this missense variant is expected to disrupt CHST6 protein function. This missense change has been observed in individuals with macular corneal dystrophy (PMID: 12882775, 21242781). This variant is present in population databases (rs771397083, gnomAD 0.006%). This sequence change replaces arginine, which is basic and polar, with glutamine, which is neutral and polar, at codon 211 of the CHST6 protein (p.Arg211Gln).

Literature cited by the submitters: PubMed 12882775 (cited by Women's Health and Genetics/Laboratory Corporation of America, LabCorp and Labcorp Genetics (formerly Invitae), Labcorp); PubMed 21242781 (cited by Labcorp Genetics (formerly Invitae), Labcorp).

NM_021615.5(CHST6):c.632G>A (p.Arg211Gln)

Gene: CHST6 (carbohydrate sulfotransferase 6; minus strand). Cytogenetic location: 16q23.1.
Variant type: single nucleotide variant.
Coding change: c.632G>A on transcript NM_021615.5 (MANE Select); coding-DNA position 632, G replaced by A.
Protein change: p.Arg211Gln; replaces arginine 211 with glutamine.
Molecular consequence: missense variant.
Genome position (GRCh38, 1-based): chr16:75,479,197, C>T on the plus strand (G>A on the coding strand, the complement: CHST6 is on the minus strand). VCF-style: chr16-75479197-C-T. GRCh37 (hg19) VCF-style: chr16-75513095-C-T.
Other names: short protein forms R211Q.
Identifiers: ClinVar variation 2736373 (VCV002736373.4), dbSNP rs771397083, ClinGen allele CA8175442.
Genomic context (GRCh38, chr16:75,479,197, plus strand): 5'-GTGCCGTTGGTGCCCAGCACGATGCCGTTGTCACGCGCCAGAGCCTTGGCTGTCTGCTCC[C>T]GGGAGCGCAGCACGGCCCGCGGGTCGCGCACCAGGTGCACGATGCGTAGGTTGAGCGCGG-3'
Protein context (NP_067628.1, residues 201-221): VRDPRAVLRS[Arg211Gln]EQTAKALARD